The following is an entry in ClinVar:

ClinVar aggregate classification (germline): Uncertain significance (1 of 4 stars; one submission).

Conditions:
Cardiovascular phenotype. Identifiers: MedGen CN230736.

Submission:

Ambry Genetics
Classification: Uncertain significance for Cardiovascular phenotype. Last evaluated: 2023-06-22. Review status: criteria provided, single submitter. Criteria: Ambry Variant Classification Scheme 2023. Collection method: clinical testing. Allele origin: germline.
Comment: The p.I675L variant (also known as c.2023A>C), located in coding exon 13 of the SCN10A gene, results from an A to C substitution at nucleotide position 2023. The isoleucine at codon 675 is replaced by leucine, an amino acid with highly similar properties. This amino acid position is conserved. In addition, this alteration is predicted to be deleterious by in silico analysis. Since supporting evidence is limited at this time, the clinical significance of this alteration remains unclear.

NM_006514.4(SCN10A):c.2023A>C (p.Ile675Leu)

Gene: SCN10A (sodium voltage-gated channel alpha subunit 10; minus strand). Cytogenetic location: 3p22.2.
Variant type: single nucleotide variant.
Coding change: c.2023A>C on transcript NM_006514.4 (MANE Select); coding-DNA position 2023, A replaced by C.
Protein change: p.Ile675Leu; replaces isoleucine 675 with leucine.
Molecular consequence: missense variant.
Genome position (GRCh38, 1-based): chr3:38,742,374, T>G on the plus strand (A>C on the coding strand, the complement: SCN10A is on the minus strand). VCF-style: chr3-38742374-T-G. GRCh37 (hg19) VCF-style: chr3-38783865-T-G.
Other names: c.2023A>C, p.Ile675Leu (NM_001293306.2); c.1729A>C, p.Ile577Leu (NM_001293307.2); short protein forms I577L, I675L.
Identifiers: ClinVar variation 2563728 (VCV002563728.3), dbSNP rs766751199, ClinGen allele CA352165137.
Genomic context (GRCh38, chr3:38,742,374, plus strand): 5'-CTTCGAAGGTAGGGCTCATGCCATGGTGCTCCATGGCCATGAAGATGGTGTTCACCACGA[T>G]GCACAAGGTGATGGTGAGCTCTGCAAAGGGATCCGTCACAAGCCCAAAGAGAATTGTCTT-3'
Protein context (NP_006505.4, residues 665-685): PFAELTITLC[Ile675Leu]VVNTIFMAME